The following is an entry in ClinVar:

NM_000245.4(MET):c.395G>T (p.Ser132Ile)

Gene: MET (MET proto-oncogene, receptor tyrosine kinase; plus strand). Cytogenetic location: 7q31.2.
Variant type: single nucleotide variant.
Coding change: c.395G>T on transcript NM_000245.4 (MANE Select); coding-DNA position 395, G replaced by T.
Protein change: p.Ser132Ile; replaces serine 132 with isoleucine.
Molecular consequence: missense variant. On other transcripts: intron variant (1).
Genome position (GRCh38, 1-based): chr7:116,699,479, G>T. VCF-style: chr7-116699479-G-T. GRCh37 (hg19) VCF-style: chr7-116339533-G-T.
Other names: c.395G>T, p.Ser132Ile (NM_001127500.3, NM_001324401.3); c.-91+26902G>T (NM_001324402.2); c.395G>T (NM_000245.2); short protein forms S132I.
Identifiers: ClinVar variation 1511567 (VCV001511567.7), dbSNP rs1791478666, ClinGen allele CA368968986.

ClinVar aggregate classification (germline): Uncertain significance. Review status: criteria provided, multiple submitters, no conflicts (2 of 4 stars). 2 submissions from 2 submitters: Uncertain significance (2). Last evaluated 2025-02-17.

Conditions:
Hereditary papillary renal cell carcinoma. Identifiers: Orphanet 47044, MedGen C0879257, MONDO:0003789.
Renal cell carcinoma. Identifiers: Orphanet 217071, MedGen C0007134, MeSH D002292, MONDO:0005086, HP:0005584.

Submissions (2):

Labcorp Genetics (formerly Invitae), Labcorp
Classification: Uncertain significance for Renal cell carcinoma. Last evaluated: 2025-02-17. Review status: criteria provided, single submitter. Criteria: Invitae Variant Classification Sherloc (09022015). Collection method: clinical testing. Allele origin: germline.
Comment: This sequence change replaces serine, which is neutral and polar, with isoleucine, which is neutral and non-polar, at codon 132 of the MET protein (p.Ser132Ile). This variant is not present in population databases (gnomAD no frequency). This variant has not been reported in the literature in individuals affected with MET-related conditions. ClinVar contains an entry for this variant (Variation ID: 1511567). Invitae Evidence Modeling of protein sequence and biophysical properties (such as structural, functional, and spatial information, amino acid conservation, physicochemical variation, residue mobility, and thermodynamic stability) indicates that this missense variant is not expected to disrupt MET protein function with a negative predictive value of 80%. In summary, the available evidence is currently insufficient to determine the role of this variant in disease. Therefore, it has been classified as a Variant of Uncertain Significance.

Molecular Pathology, Peter Maccallum Cancer Centre
Classification: Uncertain significance for Hereditary papillary renal cell carcinoma. Last evaluated: 2025-01-03. Review status: criteria provided, single submitter. Criteria: ACMG Guidelines, 2015. Collection method: clinical testing. Allele origin: germline. Inheritance: Autosomal dominant inheritance.